The following is an entry in ClinVar:

NM_004646.4(NPHS1):c.1308C>T (p.Asn436=)

Gene: NPHS1 (NPHS1 adhesion molecule, nephrin; minus strand). Cytogenetic location: 19q13.12.
Variant type: single nucleotide variant.
Coding change: c.1308C>T on transcript NM_004646.4 (MANE Select); coding-DNA position 1308, C replaced by T.
Protein change: p.Asn436=; no amino-acid change (asparagine 436 retained).
Molecular consequence: synonymous variant.
Genome position (GRCh38, 1-based): chr19:35,848,260, G>A on the plus strand (C>T on the coding strand, the complement: NPHS1 is on the minus strand). VCF-style: chr19-35848260-G-A. GRCh37 (hg19) VCF-style: chr19-36339162-G-A.
Identifiers: ClinVar variation 750832 (VCV000750832.15), dbSNP rs372707993, ClinGen allele CA9390482.

ClinVar aggregate classification (germline): Likely benign. Review status: criteria provided, multiple submitters, no conflicts (2 of 4 stars). 4 submissions from 4 submitters: Likely benign (2). 2 of the submissions do not count toward it. Last evaluated 2026-01-25.

Conditions:
NPHS1-related disorder. Also called: NPHS1-related condition.
Finnish congenital nephrotic syndrome (NPHS1). Also called: NEPHROTIC SYNDROME, TYPE 1. Identifiers: Orphanet 839, MedGen C0403399, MONDO:0009732, OMIM 256300.

Allele frequency attached by ClinVar (database versions not stated): gnomAD exomes 0.00006; ExAC 0.00007; ESP Exome Variant Server 0.00008; gnomAD 0.00009; TOPMed 0.00011; 1000 Genomes Project 30x 0.00016; 1000 Genomes Project 0.00020.
gnomAD v4.1: 78 of 1,614,110 alleles (0.0048%); highest among the groups gnomAD compares: African/African-American, 0.04%; no homozygotes.

Submissions (4):

Labcorp Genetics (formerly Invitae), Labcorp
Classification: Likely benign. Last evaluated: 2026-01-25. Review status: criteria provided, single submitter. Criteria: Invitae Variant Classification Sherloc (09022015). Collection method: clinical testing. Allele origin: germline.

Blueprint Genetics
Classification: Likely benign. Last evaluated: 2024-09-26. Review status: criteria provided, single submitter. Criteria: ACMG Guidelines, 2015. Collection method: clinical testing. Allele origin: germline.

PreventionGenetics, part of Exact Sciences
Classification: Likely benign for NPHS1-related condition. Last evaluated: 2022-05-05. Review status: no assertion criteria provided. Collection method: clinical testing. Allele origin: germline. Not counted in ClinVar's aggregate classification.
Comment: This variant is classified as likely benign based on ACMG/AMP sequence variant interpretation guidelines (Richards et al. 2015 PMID: 25741868, with internal and published modifications).

Natera, Inc.
Classification: Likely benign for Finnish congenital nephrotic syndrome. Last evaluated: 2020-06-16. Review status: no assertion criteria provided. Collection method: clinical testing. Allele origin: germline. Not counted in ClinVar's aggregate classification.